The following is an entry in ClinVar:

NM_000294.3(PHKG2):c.124G>A (p.Val42Ile)

Gene: PHKG2 (phosphorylase kinase catalytic subunit gamma 2; plus strand). Cytogenetic location: 16p11.2.
Variant type: single nucleotide variant.
Coding change: c.124G>A on transcript NM_000294.3 (MANE Select); coding-DNA position 124, G replaced by A.
Protein change: p.Val42Ile; replaces valine 42 with isoleucine.
Molecular consequence: missense variant.
Genome position (GRCh38, 1-based): chr16:30,751,134, G>A. VCF-style: chr16-30751134-G-A. GRCh37 (hg19) VCF-style: chr16-30762455-G-A.
Other names: c.124G>A, p.Val42Ile (NM_001172432.2); short protein forms V42I.
Identifiers: ClinVar variation 2179049 (VCV002179049.1), dbSNP rs777606340, ClinGen allele CA8013039.

ClinVar aggregate classification (germline): Uncertain significance (1 of 4 stars; one submission).

Conditions:
Glycogen storage disease IXc (GSD9C). Also called: GSD IXc. Identifiers: Orphanet 264580, MedGen C2751643, MONDO:0013091, OMIM 613027.

Allele frequency attached by ClinVar (database versions not stated): gnomAD 0.00001; TOPMed 0.00001; gnomAD exomes 0.00002; ExAC 0.00005.
gnomAD v4.1: 11 of 1,613,782 alleles (0.00068%); highest among the groups gnomAD compares: Admixed American, 0.018%; no homozygotes.

Submission:

Labcorp Genetics (formerly Invitae), Labcorp
Classification: Uncertain significance for Glycogen storage disease IXc. Last evaluated: 2022-02-23. Review status: criteria provided, single submitter. Criteria: Invitae Variant Classification Sherloc (09022015). Collection method: clinical testing. Allele origin: germline.
Comment: This sequence change replaces valine, which is neutral and non-polar, with isoleucine, which is neutral and non-polar, at codon 42 of the PHKG2 protein (p.Val42Ile). This variant is present in population databases (rs777606340, gnomAD 0.03%). This variant has not been reported in the literature in individuals affected with PHKG2-related conditions. Advanced modeling of protein sequence and biophysical properties (such as structural, functional, and spatial information, amino acid conservation, physicochemical variation, residue mobility, and thermodynamic stability) performed at Invitae indicates that this missense variant is not expected to disrupt PHKG2 protein function. In summary, the available evidence is currently insufficient to determine the role of this variant in disease. Therefore, it has been classified as a Variant of Uncertain Significance.